The following is an entry in ClinVar:

NM_001655.5(ARCN1):c.1508T>A (p.Phe503Tyr)

Gene: ARCN1 (archain 1; plus strand). Cytogenetic location: 11q23.3.
Variant type: single nucleotide variant.
Coding change: c.1508T>A on transcript NM_001655.5 (MANE Select); coding-DNA position 1508, T replaced by A.
Protein change: p.Phe503Tyr; replaces phenylalanine 503 with tyrosine.
Molecular consequence: missense variant.
Genome position (GRCh38, 1-based): chr11:118,600,686, T>A. VCF-style: chr11-118600686-T-A. GRCh37 (hg19) VCF-style: chr11-118471401-T-A.
Other names: c.1244T>A, p.Phe415Tyr (NM_001142281.2); short protein forms F415Y, F503Y.
Identifiers: ClinVar variation 2505973 (VCV002505973.1), dbSNP rs1939127911, ClinGen allele CA382821247.

ClinVar aggregate classification (germline): Uncertain significance (1 of 4 stars; one submission).

Submission:

GeneDx
Classification: Uncertain significance. Last evaluated: 2022-12-14. Review status: criteria provided, single submitter. Criteria: GeneDx Variant Classification Process June 2021. Collection method: clinical testing. Allele origin: germline. Affected: yes.
Comment: Not observed at significant frequency in large population cohorts (gnomAD); In silico analysis supports that this missense variant does not alter protein structure/function; Has not been previously published as pathogenic or benign to our knowledge